The following is an entry in ClinVar:

ClinVar aggregate classification (germline): Uncertain significance (1 of 4 stars; one submission).

Conditions:
Gastrointestinal stromal tumor. Also called: Gastrointestinal stromal tumor, somatic; Gastrointestinal stroma tumor. Identifiers: Orphanet 44890, MedGen C0238198, MeSH D046152, MONDO:0011719, OMIM 606764, HP:0100723.

Allele frequency attached by ClinVar (database versions not stated): gnomAD exomes below 0.00001; ExAC 0.00001.
gnomAD v4.1: 1 of 1,613,936 alleles (0.000062%); highest among the groups gnomAD compares: South Asian, 0.0011%; no homozygotes.

Submission:

Labcorp Genetics (formerly Invitae), Labcorp
Classification: Uncertain significance for Gastrointestinal stromal tumor. Last evaluated: 2023-10-05. Review status: criteria provided, single submitter. Criteria: Invitae Variant Classification Sherloc (09022015). Collection method: clinical testing. Allele origin: germline.
Comment: This sequence change replaces tyrosine, which is neutral and polar, with cysteine, which is neutral and slightly polar, at codon 570 of the KIT protein (p.Tyr570Cys). This variant is present in population databases (rs762089641, gnomAD 0.003%). This variant has not been reported in the literature in individuals affected with KIT-related conditions. An algorithm developed to predict the effect of missense changes on protein structure and function (PolyPhen-2) suggests that this variant is likely to be disruptive. In summary, the available evidence is currently insufficient to determine the role of this variant in disease. Therefore, it has been classified as a Variant of Uncertain Significance.

NM_000222.3(KIT):c.1709A>G (p.Tyr570Cys)

Gene: KIT (KIT proto-oncogene, receptor tyrosine kinase; plus strand). Cytogenetic location: 4q12.
Variant type: single nucleotide variant.
Coding change: c.1709A>G on transcript NM_000222.3 (MANE Select); coding-DNA position 1709, A replaced by G.
Protein change: p.Tyr570Cys; replaces tyrosine 570 with cysteine.
Molecular consequence: missense variant.
Genome position (GRCh38, 1-based): chr4:54,727,477, A>G. VCF-style: chr4-54727477-A-G. GRCh37 (hg19) VCF-style: chr4-55593643-A-G.
Other names: c.1697A>G, p.Tyr566Cys (NM_001093772.2, NM_001385286.1); c.1712A>G, p.Tyr571Cys (NM_001385284.1, NM_001385290.1); c.1709A>G, p.Tyr570Cys (NM_001385285.1); c.1700A>G, p.Tyr567Cys (NM_001385288.1, NM_001385292.1); short protein forms Y566C, Y567C, Y571C, Y570C.
Identifiers: ClinVar variation 3000623 (VCV003000623.3), dbSNP rs762089641, ClinGen allele CA2923565.